The following is an entry in ClinVar:

ClinVar aggregate classification (germline): Likely pathogenic (1 of 4 stars; one submission).

Submission:

GeneDx
Classification: Likely pathogenic. Last evaluated: 2023-07-13. Review status: criteria provided, single submitter. Criteria: GeneDx Variant Classification Process June 2021. Collection method: clinical testing. Allele origin: germline. Affected: yes.
Comment: Not observed at significant frequency in large population cohorts (gnomAD); In silico analysis supports that this missense variant has a deleterious effect on protein structure/function; Missense variants in this gene are often considered pathogenic (HGMD); This substitution is predicted to be within the extracellular loop between the S5 and S6 transmembrane segments of the third homologous domain; Has not been previously published as pathogenic or benign to our knowledge

NM_001165963.4(SCN1A):c.4327G>T (p.Asp1443Tyr)

Genes: SCN1A (sodium voltage-gated channel alpha subunit 1; minus strand), LOC102724058 (uncharacterized LOC102724058; plus strand). Cytogenetic location: 2q24.3.
Variant type: single nucleotide variant.
Coding change: c.4327G>T on transcript NM_001165963.4 (MANE Select); coding-DNA position 4327, G replaced by T.
Protein change: p.Asp1443Tyr; replaces aspartic acid 1443 with tyrosine.
Molecular consequence: missense variant. On other transcripts: non-coding transcript variant (1).
Genome position (GRCh38, 1-based): chr2:165,999,734, C>A on the plus strand (G>T on the coding strand, the complement: SCN1A is on the minus strand). VCF-style: chr2-165999734-C-A. GRCh37 (hg19) VCF-style: chr2-166856244-C-A.
Other names: c.4243G>T, p.Asp1415Tyr (NM_001165964.3, NM_001353957.2, NM_001353958.2); c.4327G>T, p.Asp1443Tyr (NM_001202435.3, NM_001353948.2); c.4294G>T, p.Asp1432Tyr (NM_001353949.2, NM_001353950.2, NM_001353951.2 and 2 more transcripts); c.4291G>T, p.Asp1431Tyr (NM_001353954.2, NM_001353955.2); c.4240G>T, p.Asp1414Tyr (NM_001353960.2); c.1885G>T, p.Asp629Tyr (NM_001353961.2); short protein forms D1414Y, D1415Y, D1431Y, D1432Y, D1443Y, D629Y.
Identifiers: ClinVar variation 3340738 (VCV003340738.1).